The following is an entry in ClinVar:

ClinVar aggregate classification (germline): Uncertain significance (1 of 4 stars; one submission).

Allele frequency attached by ClinVar (database versions not stated): gnomAD exomes below 0.00001; ExAC 0.00001; gnomAD 0.00001.
gnomAD v4.1: 5 of 1,614,038 alleles (0.00031%); highest among the groups gnomAD compares: South Asian, 0.0022%; no homozygotes.

Submission:

GeneDx
Classification: Uncertain significance. Last evaluated: 2023-11-16. Review status: criteria provided, single submitter. Criteria: GeneDx Variant Classification Process June 2021. Collection method: clinical testing. Allele origin: germline. Affected: yes.
Comment: In silico analysis supports that this missense variant has a deleterious effect on protein structure/function; Has not been previously published as pathogenic or benign to our knowledge; Also known as p.(R591W)

NM_207037.2(TCF12):c.1843C>T (p.Arg615Trp)

Gene: TCF12 (transcription factor 12; plus strand). Cytogenetic location: 15q21.3.
Variant type: single nucleotide variant.
Coding change: c.1843C>T on transcript NM_207037.2 (MANE Select); coding-DNA position 1843, C replaced by T.
Protein change: p.Arg615Trp; replaces arginine 615 with tryptophan.
Molecular consequence: missense variant.
Genome position (GRCh38, 1-based): chr15:57,273,127, C>T. VCF-style: chr15-57273127-C-T. GRCh37 (hg19) VCF-style: chr15-57565325-C-T.
Other names: c.1333C>T, p.Arg445Trp (NM_001306219.3); c.1063C>T, p.Arg355Trp (NM_001306220.3); c.1843C>T, p.Arg615Trp (NM_001322151.2, NM_001322159.3, NM_001322162.2 and 1 more transcripts); c.1840C>T, p.Arg614Trp (NM_001322152.2, NM_001322161.2); c.1186C>T, p.Arg396Trp (NM_001322154.2); c.1669C>T, p.Arg557Trp (NM_001322156.2); c.1771C>T, p.Arg591Trp (NM_001322157.3, NM_001322165.2, NM_003205.4 and 1 more transcripts); c.1597C>T, p.Arg533Trp (NM_001322158.2); and 2 more; short protein forms R355W, R396W, R421W, R445W, R533W, R557W, R591W, R603W.
Identifiers: ClinVar variation 3253306 (VCV003253306.1), dbSNP rs757369824.